The following is an entry in ClinVar:

ClinVar aggregate classification (germline): Uncertain significance (1 of 4 stars; one submission).

Conditions:
EP300-related disorder. Also called: EP300-related condition; EP300-related disorders.

Submission:

PreventionGenetics, part of Exact Sciences
Classification: Uncertain significance for EP300-related condition. Last evaluated: 2025-04-09. Review status: criteria provided, single submitter. Criteria: ACMG Guidelines, 2015. Collection method: clinical testing. Allele origin: germline.
Comment: The EP300 c.1973T>G variant is predicted to result in the amino acid substitution p.Leu658Arg. This variant has been reported with uncertain significance in an individual with Rubinstein-Taybi syndrome (Table S3, Kerkhof et al. 2022. PubMed ID: 34906459). This variant has not been reported in a large population database (gnomAD), indicating this variant is rare. At this time, the clinical significance of this variant is uncertain due to the absence of conclusive functional and genetic evidence.

NM_001429.4(EP300):c.1973T>G (p.Leu658Arg)

Gene: EP300 (EP300 lysine acetyltransferase; plus strand). Cytogenetic location: 22q13.2.
Variant type: single nucleotide variant.
Coding change: c.1973T>G on transcript NM_001429.4 (MANE Select); coding-DNA position 1973, T replaced by G.
Protein change: p.Leu658Arg; replaces leucine 658 with arginine.
Molecular consequence: missense variant.
Genome position (GRCh38, 1-based): chr22:41,141,142, T>G. VCF-style: chr22-41141142-T-G. GRCh37 (hg19) VCF-style: chr22-41537146-T-G.
Other names: c.1973T>G, p.Leu658Arg (NM_001362843.2); short protein forms L658R.
Identifiers: ClinVar variation 4999762 (VCV004999762.1).